The following is an entry in ClinVar:

NM_001401501.2(MUC16):c.4953A>G (p.Thr1651=)

Gene: MUC16 (mucin 16, cell surface associated; minus strand). Cytogenetic location: 19p13.2.
Variant type: single nucleotide variant.
Coding change: c.4953A>G on transcript NM_001401501.2 (MANE Select); coding-DNA position 4953, A replaced by G.
Protein change: p.Thr1651=; no amino-acid change (threonine 1651 retained).
Molecular consequence: synonymous variant.
Genome position (GRCh38, 1-based): chr19:8,976,306, T>C on the plus strand (A>G on the coding strand, the complement: MUC16 is on the minus strand). VCF-style: chr19-8976306-T-C. GRCh37 (hg19) VCF-style: chr19-9086982-T-C.
Other names: c.5379A>G, p.Thr1793= (NM_001414686.1); c.4833A>G, p.Thr1611= (NM_001414687.1, NM_024690.2).
Identifiers: ClinVar variation 3049661 (VCV003049661.2), dbSNP rs371133080, ClinGen allele CA9172742.

ClinVar aggregate classification (germline): Likely benign (0 of 4 stars; one submission).

Conditions:
MUC16-related disorder. Also called: MUC16-related condition.

Allele frequency attached by ClinVar (database versions not stated): ESP Exome Variant Server 0.00024; TOPMed 0.00028; gnomAD exomes 0.00030; gnomAD 0.00038; ExAC 0.00043.

Submission:

PreventionGenetics, part of Exact Sciences
Classification: Likely benign for MUC16-related condition. Last evaluated: 2019-07-10. Review status: no assertion criteria provided. Collection method: clinical testing. Allele origin: germline.
Comment: This variant is classified as likely benign based on ACMG/AMP sequence variant interpretation guidelines (Richards et al. 2015 PMID: 25741868, with internal and published modifications).